The following is an entry in ClinVar:

NM_005097.4(LGI1):c.1413G>A (p.Met471Ile)

Gene: LGI1 (leucine rich glioma inactivated 1; plus strand). Cytogenetic location: 10q23.33.
Variant type: single nucleotide variant.
Coding change: c.1413G>A on transcript NM_005097.4 (MANE Select); coding-DNA position 1413, G replaced by A.
Protein change: p.Met471Ile; replaces methionine 471 with isoleucine.
Molecular consequence: missense variant. On other transcripts: non-coding transcript variant (1), intron variant (1).
Genome position (GRCh38, 1-based): chr10:93,797,542, G>A. VCF-style: chr10-93797542-G-A. GRCh37 (hg19) VCF-style: chr10-95557299-G-A.
Other names: c.1269G>A, p.Met423Ile (NM_001308276.2); c.839-207G>A (NM_001308275.2); short protein forms M471I, M423I.
Identifiers: ClinVar variation 393229 (VCV000393229.2), dbSNP rs1057524845, ClinGen allele CA16606119.
Genomic context (GRCh38, chr10:93,797,542, plus strand): 5'-CATTGGTGATTCCAAAGTCATGAAATGGGGAGGCTCCTCGTTCCAGGATATTCAGAGGAT[G>A]CCATCGCGAGGATCCATGGTGTTCCAGCCTCTTCAAATAAATAATTACCAATATGCAATT-3'
Protein context (NP_005088.1, residues 461-481): GGSSFQDIQR[Met471Ile]PSRGSMVFQP

ClinVar aggregate classification (germline): Uncertain significance (1 of 4 stars; one submission).

Allele frequency attached by ClinVar (database versions not stated): gnomAD exomes below 0.00001.
gnomAD v4.1: 1 of 1,614,134 alleles (0.000062%); highest among the groups gnomAD compares: Non-Finnish European, 0.000085%; no homozygotes.

Submission:

GeneDx
Classification: Uncertain significance. Last evaluated: 2017-02-07. Review status: criteria provided, single submitter. Criteria: GeneDx Variant Classification (06012015). Collection method: clinical testing. Allele origin: germline. Affected: yes.
Comment: The M471I variant in the LGI1 gene has not been reported previously as a pathogenic variant, nor as a benign variant, to our knowledge. This variant is not observed in large population cohorts (Lek et al., 2016; 1000 Genomes Consortium et al., 2015; Exome Variant Server). The M471I variant is a conservative amino acid substitution, which is not likely to impact secondary protein structure as these residues share similar properties. This substitution occurs at a position where amino acids with similar properties to Methionine are tolerated across species. In silico analysis is inconsistent in its predictions as to whether or not the variant is damaging to the protein structure/function. We interpret M471I as a variant of uncertain significance.